The following is an entry in ClinVar:

ClinVar aggregate classification (germline): Benign. Review status: criteria provided, multiple submitters, no conflicts (2 of 4 stars). 2 submissions from 2 submitters: Benign (2). Last evaluated 2018-06-14.

Allele frequency attached by ClinVar (database versions not stated): 1000 Genomes Project 0.29113; 1000 Genomes Project 30x 0.29185; TOPMed 0.30707; ESP Exome Variant Server 0.30770; ExAC 0.30817; gnomAD exomes 0.31182; gnomAD 0.31257 and 0.31334.
gnomAD v4.1: 482,101 of 1,584,098 alleles (30%); highest among the groups gnomAD compares: Admixed American, 34%; 74,540 homozygotes.

Submissions (2):

GeneDx
Classification: Benign. Last evaluated: 2018-06-14. Review status: criteria provided, single submitter. Criteria: GeneDx Variant Classification (06012015). Collection method: clinical testing. Allele origin: germline. Affected: yes.
Comment: This variant is considered likely benign or benign based on one or more of the following criteria: it is a conservative change, it occurs at a poorly conserved position in the protein, it is predicted to be benign by multiple in silico algorithms, and/or has population frequency not consistent with disease.

Breakthrough Genomics
Classification: Benign. Review status: criteria provided, single submitter. Criteria: ACMG Guidelines, 2015. Collection method: not provided. Allele origin: germline. Inheritance: Autosomal recessive inheritance. Affected: yes.

NM_003680.4(YARS1):c.592-29G>T

Gene: YARS1 (tyrosyl-tRNA synthetase 1; minus strand). Cytogenetic location: 1p35.1.
Variant type: single nucleotide variant.
Coding change: c.592-29G>T on transcript NM_003680.4 (MANE Select); 29 bases into the intron before coding-DNA position 592, G replaced by T.
Molecular consequence: intron variant.
Genome position (GRCh38, 1-based): chr1:32,791,283, C>A on the plus strand (G>T on the coding strand, the complement: YARS1 is on the minus strand). VCF-style: chr1-32791283-C-A. GRCh37 (hg19) VCF-style: chr1-33256884-C-A.
Identifiers: ClinVar variation 670888 (VCV000670888.2), dbSNP rs1765223, ClinGen allele CA745151.